The following is an entry in ClinVar:

ClinVar aggregate classification (germline): Uncertain significance. Review status: criteria provided, multiple submitters, no conflicts (2 of 4 stars). 2 submissions from 2 submitters: Uncertain significance (2). Last evaluated 2025-03-08.

Conditions:
Inborn genetic diseases. Identifiers: MedGen C0950123, MeSH D030342.

Allele frequency attached by ClinVar (database versions not stated): TOPMed below 0.00001; ExAC 0.00002; gnomAD exomes 0.00002.
gnomAD v4.1: 22 of 1,614,106 alleles (0.0014%); highest among the groups gnomAD compares: Non-Finnish European, 0.0019%; no homozygotes.

Submissions (2):

Ambry Genetics
Classification: Uncertain significance for Inborn genetic diseases. Last evaluated: 2025-03-08. Review status: criteria provided, single submitter. Criteria: Ambry Variant Classification Scheme 2023. Collection method: clinical testing. Allele origin: germline.

Labcorp Genetics (formerly Invitae), Labcorp
Classification: Uncertain significance. Last evaluated: 2022-04-19. Review status: criteria provided, single submitter. Criteria: Invitae Variant Classification Sherloc (09022015). Collection method: clinical testing. Allele origin: germline.
Comment: This sequence change replaces glycine, which is neutral and non-polar, with aspartic acid, which is acidic and polar, at codon 460 of the ADAMTSL4 protein (p.Gly460Asp). This variant is present in population databases (rs145602875, gnomAD 0.002%). This variant has not been reported in the literature in individuals affected with ADAMTSL4-related conditions. Algorithms developed to predict the effect of missense changes on protein structure and function (SIFT, PolyPhen-2, Align-GVGD) all suggest that this variant is likely to be disruptive. In summary, the available evidence is currently insufficient to determine the role of this variant in disease. Therefore, it has been classified as a Variant of Uncertain Significance.

NM_019032.6(ADAMTSL4):c.1379G>A (p.Gly460Asp)

Genes: ADAMTSL4 (ADAMTS like 4; plus strand), ADAMTSL4-AS2 (ADAMTSL4 antisense RNA 2; minus strand). Cytogenetic location: 1q21.2.
Variant type: single nucleotide variant.
Coding change: c.1379G>A on transcript NM_019032.6 (MANE Select); coding-DNA position 1379, G replaced by A.
Protein change: p.Gly460Asp; replaces glycine 460 with aspartic acid.
Molecular consequence: missense variant.
Genome position (GRCh38, 1-based): chr1:150,556,169, G>A. VCF-style: chr1-150556169-G-A. GRCh37 (hg19) VCF-style: chr1-150528645-G-A.
Other names: c.1448G>A, p.Gly483Asp (NM_001288607.2, NM_001288608.2); c.1379G>A, p.Gly460Asp (NM_001378596.1, NM_025008.5); short protein forms G460D, G483D.
Identifiers: ClinVar variation 1905268 (VCV001905268.3), dbSNP rs145602875, ClinGen allele CA1078264.